The following is an entry in ClinVar:

NM_004004.6(GJB2):c.326G>T (p.Gly109Val)

Gene: GJB2 (gap junction protein beta 2; minus strand). Cytogenetic location: 13q12.11.
Variant type: single nucleotide variant.
Coding change: c.326G>T on transcript NM_004004.6 (MANE Select); coding-DNA position 326, G replaced by T.
Protein change: p.Gly109Val; replaces glycine 109 with valine.
Molecular consequence: missense variant.
Genome position (GRCh38, 1-based): chr13:20,189,256, C>A on the plus strand (G>T on the coding strand, the complement: GJB2 is on the minus strand). VCF-style: chr13-20189256-C-A. GRCh37 (hg19) VCF-style: chr13-20763395-C-A.
Other names: c.326G>T (NM_004004.5); short protein forms G109V.
Identifiers: ClinVar variation 975154 (VCV000975154.3), dbSNP rs374572413, ClinGen allele CA387461383.
Genomic context (GRCh38, chr13:20,189,256, plus strand): 5'-TCGATGCGGACCTTCTGGGTTTTGATCTCCTCGATGTCCTTAAATTCACTCTTTATCTCC[C>A]CCTTGATGAACTTCCTCTTCTTCTCATGTCTCCGGTAGGCCACGTGCATGGCCACTAGGA-3'
Protein context (NP_003995.2, residues 99-119): RHEKKRKFIK[Gly109Val]EIKSEFKDIE

ClinVar aggregate classification (germline): Likely pathogenic. Review status: criteria provided, multiple submitters, no conflicts (2 of 4 stars). 2 submissions from 2 submitters: Likely pathogenic (2). Last evaluated 2024-03-25.

Conditions:
Nonsyndromic genetic hearing loss. Also called: Non-syndromic genetic deafness; Nonsyndromic genetic deafness; Nonsyndromic hearing loss and deafness. Identifiers: Orphanet 87884, MedGen C5680182, MONDO:0019497.

Submissions (2):

GeneDx
Classification: Likely pathogenic. Last evaluated: 2024-03-25. Review status: criteria provided, single submitter. Criteria: GeneDx Variant Classification Process June 2021. Collection method: clinical testing. Allele origin: germline. Affected: yes.
Comment: Observed with a second pathogenic variant, either on the opposite allele (in trans) or phase unknown, in patients with hearing loss in the published literature (PMID: 33096615, 19051073); Published functional studies demonstrate a damaging effect (PMID: 26769242); Not observed at significant frequency in large population cohorts (gnomAD); In silico analysis supports that this missense variant does not alter protein structure/function; This variant is associated with the following publications: (PMID: 19051073, 19887791, 36048236, 33096615, 25388846, 37892203, 26769242, 34652575, 37106706)

INGEBI, INGEBI / CONICET
Classification: Likely pathogenic for Nonsyndromic hearing loss and deafness. Last evaluated: 2020-08-04. Review status: criteria provided, single submitter. Criteria: ClinGen HL ACMG Specifications v1. Collection method: clinical testing. Allele origin: germline. Inheritance: Autosomal recessive inheritance. Affected: yes. Observed: 1 variant allele.
Comment: Based on ACMG/AMP guidelines and Hearing Loss Expert Panel specific criteria: the c.326G>T, p.Gly109Val variant is absent from population databases (gnomAD, GO-ESP, 1000 genomes) meeting PM2 criteria. Computational evidence is not enoguh to meet neither PP3 nor BP4, since REVEL value is 0.534. This variant has been identified in trans with p.(Glu47*) mutation (PMID: 19051073) applying to PM3 criteria. Functional evidence demonstrated a significantly decrease of gap junction activity when p.Gly109Val mutant was tested (absence of currents through p.Gly109Val or WTCX26-G109V) in Xenopus laevis oocytes (PMID: 26769242) meeting PS3_Moderate criteria. Therefore, the c.326G>T variant meets criteria to be classified as likely pathogenic for autosomal recessive non-syndromic hearing loss (PM2, PM3 and PS3_Moderate)

Literature cited by the submitters: PubMed 19051073 (cited by INGEBI, INGEBI / CONICET); PubMed 26769242 (cited by INGEBI, INGEBI / CONICET).